The following is an entry in ClinVar:

ClinVar aggregate classification (germline): Uncertain significance (1 of 4 stars; one submission).

Conditions:
Adenylosuccinate lyase deficiency (ADSLD). Also called: ADSL DEFICIENCY. Identifiers: Orphanet 46, MedGen C0268126, MONDO:0007068, OMIM 103050.

Submission:

Labcorp Genetics (formerly Invitae), Labcorp
Classification: Uncertain significance for Adenylosuccinate lyase deficiency. Last evaluated: 2019-05-13. Review status: criteria provided, single submitter. Criteria: Invitae Variant Classification Sherloc (09022015). Collection method: clinical testing. Allele origin: germline.
Comment: In summary, the available evidence is currently insufficient to determine the role of this variant in disease. Therefore, it has been classified as a Variant of Uncertain Significance. Algorithms developed to predict the effect of missense changes on protein structure and function (SIFT, PolyPhen-2, Align-GVGD) all suggest that this variant is likely to be disruptive, but these predictions have not been confirmed by published functional studies and their clinical significance is uncertain. This variant has not been reported in the literature in individuals with ADSL-related conditions. This variant is not present in population databases (ExAC no frequency). This sequence change replaces glycine with aspartic acid at codon 203 of the ADSL protein (p.Gly203Asp). The glycine residue is highly conserved and there is a moderate physicochemical difference between glycine and aspartic acid.

NM_000026.4(ADSL):c.608G>A (p.Gly203Asp)

Gene: ADSL (adenylosuccinate lyase; plus strand). Cytogenetic location: 22q13.1.
Variant type: single nucleotide variant.
Coding change: c.608G>A on transcript NM_000026.4 (MANE Select); coding-DNA position 608, G replaced by A.
Protein change: p.Gly203Asp; replaces glycine 203 with aspartic acid.
Molecular consequence: missense variant. On other transcripts: non-coding transcript variant (1).
Genome position (GRCh38, 1-based): chr22:40,358,989, G>A. VCF-style: chr22-40358989-G-A. GRCh37 (hg19) VCF-style: chr22-40754993-G-A.
Other names: c.608G>A, p.Gly203Asp (NM_001123378.3, NM_001363840.3); c.416G>A, p.Gly139Asp (NM_001317923.2); short protein forms G139D, G203D.
Identifiers: ClinVar variation 851024 (VCV000851024.9), dbSNP rs2044668344, ClinGen allele CA411641216.
Genomic context (GRCh38, chr22:40,358,989, plus strand): 5'-TCCAGAACTTGAAGCGTGTCCGAGATGACCTGCGCTTCCGGGGAGTAAAGGGTACCACTG[G>A]CACTCAGGCCAGTTTCCTGCAGCTCTTTGAGGGAGATGACCATAAGGTATTCTGAAAGTG-3'
Protein context (NP_000017.1, residues 193-213): LRFRGVKGTT[Gly203Asp]TQASFLQLFE